The following is an entry in ClinVar:

ClinVar aggregate classification (germline): Uncertain significance (1 of 4 stars; one submission).

Conditions:
Perlman syndrome (PRLMNS). Identifiers: Orphanet 2849, MedGen C0796113, MONDO:0009965, OMIM 267000.

Allele frequency attached by ClinVar (database versions not stated): gnomAD 0.00001.
gnomAD v4.1: 1 of 1,609,712 alleles (0.000062%); highest among the groups gnomAD compares: African/African-American, 0.0013%; no homozygotes.

Submission:

Labcorp Genetics (formerly Invitae), Labcorp
Classification: Uncertain significance for Perlman syndrome. Last evaluated: 2021-11-08. Review status: criteria provided, single submitter. Criteria: Invitae Variant Classification Sherloc (09022015). Collection method: clinical testing. Allele origin: germline.
Comment: This variant has not been reported in the literature in individuals affected with DIS3L2-related conditions. In summary, the available evidence is currently insufficient to determine the role of this variant in disease. Therefore, it has been classified as a Variant of Uncertain Significance. Algorithms developed to predict the effect of missense changes on protein structure and function (SIFT, PolyPhen-2, Align-GVGD) all suggest that this variant is likely to be tolerated. This variant is not present in population databases (gnomAD no frequency). This sequence change replaces valine, which is neutral and non-polar, with isoleucine, which is neutral and non-polar, at codon 833 of the DIS3L2 protein (p.Val833Ile).

NM_152383.5(DIS3L2):c.2497G>A (p.Val833Ile)

Gene: DIS3L2 (DIS3 like 3'-5' exoribonuclease 2; plus strand). Cytogenetic location: 2q37.1.
Variant type: single nucleotide variant.
Coding change: c.2497G>A on transcript NM_152383.5 (MANE Select); coding-DNA position 2497, G replaced by A.
Protein change: p.Val833Ile; replaces valine 833 with isoleucine.
Molecular consequence: missense variant. On other transcripts: non-coding transcript variant (2), intron variant (1).
Genome position (GRCh38, 1-based): chr2:232,336,469, G>A. VCF-style: chr2-232336469-G-A. GRCh37 (hg19) VCF-style: chr2-233201179-G-A.
Other names: c.1582-6876G>A (NM_001257281.2); short protein forms V833I.
Identifiers: ClinVar variation 1463156 (VCV001463156.6), dbSNP rs1289971343, ClinGen allele CA350978832.